The following is an entry in ClinVar:

NM_001367624.2(ZNF469):c.751C>T (p.Pro251Ser)

Gene: ZNF469 (zinc finger protein 469; plus strand). Cytogenetic location: 16q24.2.
Variant type: single nucleotide variant.
Coding change: c.751C>T on transcript NM_001367624.2 (MANE Select); coding-DNA position 751, C replaced by T.
Protein change: p.Pro251Ser; replaces proline 251 with serine.
Molecular consequence: missense variant.
Genome position (GRCh38, 1-based): chr16:88,428,221, C>T. VCF-style: chr16-88428221-C-T. GRCh37 (hg19) VCF-style: chr16-88494629-C-T.
Other names: NM_001127464.1:c.751C>T; short protein forms P251S.
Identifiers: ClinVar variation 3381737 (VCV003381737.1).
Genomic context (GRCh38, chr16:88,428,221, plus strand): 5'-GGGGCCGACTCCTGGCCTCCCGCTGCTGAGAATAGCTTCCCAGGTGCTAATTTCGGGGTT[C>T]CCCCCGCCGAGCCGGAACCTATTCCCAAAGGCAGCAGGCCCGGCGGCAGCCCCAGGGGAG-3'
Protein context (NP_001354553.1, residues 241-261): NSFPGANFGV[Pro251Ser]PAEPEPIPKG

ClinVar aggregate classification (germline): Uncertain significance (1 of 4 stars; one submission).

Submission:

GeneDx
Classification: Uncertain significance. Last evaluated: 2024-05-21. Review status: criteria provided, single submitter. Criteria: GeneDx Variant Classification Process June 2021. Collection method: clinical testing. Allele origin: germline. Affected: yes.
Comment: Not observed at significant frequency in large population cohorts (gnomAD); In silico analysis indicates that this missense variant does not alter protein structure/function; Has not been previously published as pathogenic or benign to our knowledge